The following is an entry in ClinVar:

NM_006767.4(LZTR1):c.1830G>C (p.Gln610His)

Gene: LZTR1 (leucine zipper like post translational regulator 1; plus strand). Cytogenetic location: 22q11.21.
Variant type: single nucleotide variant.
Coding change: c.1830G>C on transcript NM_006767.4 (MANE Select); coding-DNA position 1830, G replaced by C.
Protein change: p.Gln610His; replaces glutamine 610 with histidine.
Molecular consequence: missense variant.
Genome position (GRCh38, 1-based): chr22:20,994,914, G>C. VCF-style: chr22-20994914-G-C. GRCh37 (hg19) VCF-style: chr22-21349203-G-C.
Other names: short protein forms Q610H.
Identifiers: ClinVar variation 4101855 (VCV004101855.1).

ClinVar aggregate classification (germline): Uncertain significance (1 of 4 stars; one submission).

Conditions:
Cardiovascular phenotype. Identifiers: MedGen CN230736.
Hereditary cancer-predisposing syndrome. Also called: Tumor predisposition; Neoplastic Syndromes, Hereditary; Hereditary neoplastic syndrome; Hereditary Cancer Syndrome. Identifiers: Orphanet 140162, MedGen C0027672, MeSH D009386, MONDO:0015356.

Submission:

Ambry Genetics
Classification: Uncertain significance for Cardiovascular phenotype; Hereditary cancer-predisposing syndrome. Last evaluated: 2025-07-24. Review status: criteria provided, single submitter. Criteria: Ambry Variant Classification Scheme 2023. Collection method: clinical testing. Allele origin: germline.
Comment: The p.Q610H variant (also known as c.1830G>C), located in coding exon 16 of the LZTR1 gene, results from a G to C substitution at nucleotide position 1830. The glutamine at codon 610 is replaced by histidine, an amino acid with highly similar properties. This amino acid position is highly conserved in available vertebrate species. In addition, the in silico prediction for this alteration is inconclusive. Based on the available evidence, the clinical significance of this variant remains unclear.